The following is an entry in ClinVar:

ClinVar aggregate classification (germline): Uncertain significance (1 of 4 stars; one submission).

Conditions:
Spinocerebellar ataxia type 35. Identifiers: Orphanet 276193, MedGen C3888031, MONDO:0013485, OMIM 613908.

gnomAD v4.1: 2 of 1,613,832 alleles (0.00012%); highest among the groups gnomAD compares: Admixed American, 0.0033%; no homozygotes.

Submission:

3billion
Classification: Uncertain significance for Spinocerebellar ataxia type 35. Last evaluated: 2025-12-01. Review status: criteria provided, single submitter. Criteria: ACMG Guidelines, 2015. Collection method: clinical testing. Allele origin: germline. Affected: yes.
Comment: The variant is observed at an extremely low frequency in the gnomAD v4.1.0 dataset (total allele frequency: <0.001%). Predicted Consequence/Location: Missense variant. The majority of the known disease-causing variants of this gene are variants expected to result in premature termination of the protein. In silico tool predictions suggest damaging effect of the variant on gene or gene product [REVEL: 0.93 (>=0.6, sensitivity 0.68 and specificity 0.92)]. Therefore, this variant is classified as VUS according to the recommendation of ACMG/AMP guideline.

NM_198994.3(TGM6):c.827T>C (p.Val276Ala)

Gene: TGM6 (transglutaminase 6; plus strand). Cytogenetic location: 20p13.
Variant type: single nucleotide variant.
Coding change: c.827T>C on transcript NM_198994.3 (MANE Select); coding-DNA position 827, T replaced by C.
Protein change: p.Val276Ala; replaces valine 276 with alanine.
Molecular consequence: missense variant.
Genome position (GRCh38, 1-based): chr20:2,399,715, T>C. VCF-style: chr20-2399715-T-C. GRCh37 (hg19) VCF-style: chr20-2380361-T-C.
Other names: c.827T>C, p.Val276Ala (NM_001254734.2); short protein forms V276A.
Identifiers: ClinVar variation 4854989 (VCV004854989.1).